The following is an entry in ClinVar:

ClinVar aggregate classification (germline): Uncertain significance (1 of 4 stars; one submission).

Submission:

GeneDx
Classification: Uncertain significance. Last evaluated: 2025-09-17. Review status: criteria provided, single submitter. Criteria: GeneDx Variant Classification Process June 2021. Collection method: clinical testing. Allele origin: germline.
Comment: Canonical splice site variant in a gene or region of a gene for which loss of function is not a well-established mechanism of disease; Not observed at significant frequency in large population cohorts (gnomAD); Has not been previously published as pathogenic or benign to our knowledge; Reported using an alternate transcript of the gene

NM_001321075.3(DLG4):c.30+1G>A

Gene: DLG4 (discs large MAGUK scaffold protein 4; minus strand). Cytogenetic location: 17p13.1.
Variant type: single nucleotide variant.
Coding change: c.30+1G>A on transcript NM_001321075.3 (MANE Select); the canonical splice donor site of the intron after coding-DNA position 30, G replaced by A.
Molecular consequence: splice donor variant. On other transcripts: intron variant (2).
Genome position (GRCh38, 1-based): chr17:7,217,117, C>T on the plus strand (G>A on the coding strand, the complement: DLG4 is on the minus strand). VCF-style: chr17-7217117-C-T. GRCh37 (hg19) VCF-style: chr17-7120436-C-T.
Other names: c.159+1124G>A (NM_001365.5, NM_001321074.1); c.30+1G>A (NM_001128827.4).
Identifiers: ClinVar variation 2503221 (VCV002503221.2), dbSNP rs2508170650, ClinGen allele CA397721160.